The following is an entry in ClinVar:

ClinVar aggregate classification (germline): Conflicting classifications of pathogenicity. Review status: criteria provided, conflicting classifications (1 of 4 stars). 2 submissions from 2 submitters: Likely pathogenic (1); Uncertain significance (1). Last evaluated 2025-08-22.

Conditions:
Alport syndrome. Also called: Hemorrhagic familial nephritis; Hemorrhagic hereditary nephritis; Congenital hereditary hematuria. Identifiers: Orphanet 63, MedGen C1567741, MONDO:0018965.
Autosomal dominant Alport syndrome (ATS3A). Also called: Alport syndrome dominant type; Renal failure and sensorineural hearing loss; ALPORT SYNDROME 3A, AUTOSOMAL DOMINANT. Identifiers: Orphanet 63, Orphanet 88918, MedGen C5882663, MONDO:0007086, OMIM 104200.

Allele frequency attached by ClinVar (database versions not stated): gnomAD exomes below 0.00001; TOPMed 0.00002.
gnomAD v4.1: 2 of 1,612,944 alleles (0.00012%); highest among the groups gnomAD compares: African/African-American, 0.0013%; no homozygotes.

Submissions (2):

Natera, Inc.
Classification: Likely pathogenic for Alport syndrome. Last evaluated: 2025-08-22. Review status: criteria provided, single submitter. Criteria: Natera Variant Classification Schema (03/2026). Collection method: clinical testing. Allele origin: germline.
Comment: The c.3071G>T variant in COL4A3 is a missense variant predicted to cause substitution of glycine to valine at amino acid 1024. This variant is rare in the general population with a frequency below the threshold expected for the associated phenotype(s). This variant is located in a functionally critical region of the protein. Computational prediction algorithms indicate this variant is likely to affect gene or protein function. Given the available evidence, this variant is classified as Likely Pathogenic.

Johns Hopkins Genomics, Johns Hopkins University
Classification: Uncertain significance for Autosomal dominant Alport syndrome. Last evaluated: 2022-07-11. Review status: criteria provided, single submitter. Criteria: ACMG Guidelines, 2015. Collection method: clinical testing. Allele origin: germline.
Comment: This COL4A3 variant (rs1219734287) is rare (<0.1%) in a large population dataset (gnomAD v2.1.1: 2/249422 total alleles; 0.0008%; no homozygotes). and has not been reported in ClinVar nor the literature, to our knowledge. Three bioinformatic tools queried predict that this substitution would be damaging, and the glycine residue at this position is evolutionarily conserved across most species assessed. One tool predicts that this variant would create a cryptic splice acceptor site, but a second tool suggests that the strength of this cryptic acceptor site is low. The impact of this variant on splicing this has not been assessed experimentally to our knowledge. We consider the clinical significance of c.3071G>T in COL4A3 to be uncertain at this time.

Literature cited by the submitters: PubMed 20301386 (cited by Johns Hopkins Genomics, Johns Hopkins University); PubMed 33838161 (cited by Johns Hopkins Genomics, Johns Hopkins University).

NM_000091.5(COL4A3):c.3071G>T (p.Gly1024Val)

Genes: COL4A3 (collagen type IV alpha 3 chain; plus strand), MFF-DT (MFF divergent transcript; minus strand). Cytogenetic location: 2q36.3.
Variant type: single nucleotide variant.
Coding change: c.3071G>T on transcript NM_000091.5 (MANE Select); coding-DNA position 3071, G replaced by T.
Protein change: p.Gly1024Val; replaces glycine 1024 with valine.
Molecular consequence: missense variant.
Genome position (GRCh38, 1-based): chr2:227,290,747, G>T. VCF-style: chr2-227290747-G-T. GRCh37 (hg19) VCF-style: chr2-228155463-G-T.
Other names: short protein forms G1024V.
Identifiers: ClinVar variation 1704411 (VCV001704411.2), dbSNP rs1219734287, ClinGen allele CA350855399.